The following is an entry in ClinVar:

ClinVar aggregate classification (germline): Uncertain significance (1 of 4 stars; one submission).

Submission:

GeneDx
Classification: Uncertain significance. Last evaluated: 2026-03-10. Review status: criteria provided, single submitter. Criteria: GeneDx Variant Classification Process June 2021. Collection method: clinical testing. Allele origin: germline.
Comment: Not observed at significant frequency in large population cohorts (gnomAD); In silico analysis supports that this missense variant has a deleterious effect on protein structure/function; Has not been previously published as pathogenic or benign to our knowledge

NM_001271.4(CHD2):c.3725A>C (p.Glu1242Ala)

Gene: CHD2 (chromodomain helicase DNA binding protein 2; plus strand). Cytogenetic location: 15q26.1.
Variant type: single nucleotide variant.
Coding change: c.3725A>C on transcript NM_001271.4 (MANE Select); coding-DNA position 3725, A replaced by C.
Protein change: p.Glu1242Ala; replaces glutamic acid 1242 with alanine.
Molecular consequence: missense variant.
Genome position (GRCh38, 1-based): chr15:92,997,086, A>C. VCF-style: chr15-92997086-A-C. GRCh37 (hg19) VCF-style: chr15-93540316-A-C.
Other names: short protein forms E1242A.
Identifiers: ClinVar variation 5008957 (VCV005008957.1).